The following is an entry in ClinVar:

ClinVar aggregate classification (germline): Uncertain significance (1 of 4 stars; one submission).

Conditions:
Catecholaminergic polymorphic ventricular tachycardia 1. Also called: VENTRICULAR TACHYCARDIA, STRESS-INDUCED POLYMORPHIC 1; VENTRICULAR TACHYCARDIA, CATECHOLAMINERGIC POLYMORPHIC, 1, WITH OR WITHOUT ATRIAL DYSFUNCTION AND/OR DILATED CARDIOMYOPATHY; RYR2-Related Catecholaminergic Polymorphic Ventricular Tachycardia. Identifiers: Orphanet 3286, MedGen C1631597, MONDO:0011484, OMIM 604772.

Submission:

Labcorp Genetics (formerly Invitae), Labcorp
Classification: Uncertain significance for Catecholaminergic polymorphic ventricular tachycardia 1. Last evaluated: 2026-01-14. Review status: criteria provided, single submitter. Criteria: Invitae Variant Classification Sherloc (09022015). Collection method: clinical testing. Allele origin: germline.
Comment: This sequence change replaces proline, which is neutral and non-polar, with arginine, which is basic and polar, at codon 3198 of the RYR2 protein (p.Pro3198Arg). This variant is not present in population databases (gnomAD no frequency). This variant has not been reported in the literature in individuals affected with RYR2-related conditions. Invitae Evidence Modeling of protein sequence and biophysical properties (such as structural, functional, and spatial information, amino acid conservation, physicochemical variation, residue mobility, and thermodynamic stability) indicates that this missense variant is not expected to disrupt RYR2 protein function with a negative predictive value of 95%. In summary, the available evidence is currently insufficient to determine the role of this variant in disease. Therefore, it has been classified as a Variant of Uncertain Significance.

NM_001035.3(RYR2):c.9593C>G (p.Pro3198Arg)

Gene: RYR2 (ryanodine receptor 2; plus strand). Cytogenetic location: 1q43.
Variant type: single nucleotide variant.
Coding change: c.9593C>G on transcript NM_001035.3 (MANE Select); coding-DNA position 9593, C replaced by G.
Protein change: p.Pro3198Arg; replaces proline 3198 with arginine.
Molecular consequence: missense variant.
Genome position (GRCh38, 1-based): chr1:237,706,961, C>G. VCF-style: chr1-237706961-C-G. GRCh37 (hg19) VCF-style: chr1-237870261-C-G.
Other names: short protein forms P3198R.
Identifiers: ClinVar variation 4808677 (VCV004808677.1).